The following is an entry in ClinVar:

NM_012470.4(TNPO3):c.2061+17C>T

Gene: TNPO3 (transportin 3; minus strand). Cytogenetic location: 7q32.1.
Variant type: single nucleotide variant.
Coding change: c.2061+17C>T on transcript NM_012470.4 (MANE Select); 17 bases into the intron after coding-DNA position 2061, C replaced by T.
Molecular consequence: intron variant.
Genome position (GRCh38, 1-based): chr7:128,978,966, G>A on the plus strand (C>T on the coding strand, the complement: TNPO3 is on the minus strand). VCF-style: chr7-128978966-G-A. GRCh37 (hg19) VCF-style: chr7-128619020-G-A.
Other names: c.1917+17C>T (NM_001382221.1); c.1914+17C>T (NM_001382222.1); c.1953+17C>T (NM_001382219.1); c.1869+17C>T (NM_001382223.1, NM_001191028.3); c.1920+1005C>T (NM_001382220.1); c.2061+17C>T (NM_001382218.1); c.2163+17C>T (NM_001382216.1); c.2142+17C>T (NM_001382217.1).
Identifiers: ClinVar variation 507517 (VCV000507517.9), dbSNP rs190490751, ClinGen allele CA4477994.
Genomic context (GRCh38, chr7:128,978,966, plus strand): 5'-ACAGACGTGAGCCACCGCACCCTGCCTATTTCAAATTCTGTACATGGAACACGTCCCCCC[G>A]CAACAGATAACTTTACCTGTGTGACTAGTGGCTGCAGCAGTGCTGCAGATCCTTTGCCTA-3'

ClinVar aggregate classification (germline): Likely benign. Review status: criteria provided, multiple submitters, no conflicts (2 of 4 stars). 2 submissions from 2 submitters: Likely benign (2). Last evaluated 2025-12-20.

Conditions:
Autosomal dominant limb-girdle muscular dystrophy type 1F (LGMDD2). Also called: Limb-girdle muscular dystrophy, type 1F; MUSCULAR DYSTROPHY, LIMB-GIRDLE, AUTOSOMAL DOMINANT 2. Identifiers: Orphanet 55595, MedGen C1842062, MONDO:0012034, OMIM 608423.

Allele frequency attached by ClinVar (database versions not stated): gnomAD 0.00001; TOPMed 0.00002; 1000 Genomes Project 0.00020; 1000 Genomes Project 30x 0.00031.
gnomAD v4.1: 121 of 1,613,090 alleles (0.0075%); highest among the groups gnomAD compares: Admixed American, 0.01%; no homozygotes.

Submissions (2):

Labcorp Genetics (formerly Invitae), Labcorp
Classification: Likely benign for Autosomal dominant limb-girdle muscular dystrophy type 1F. Last evaluated: 2025-12-20. Review status: criteria provided, single submitter. Criteria: Invitae Variant Classification Sherloc (09022015). Collection method: clinical testing. Allele origin: germline.

GeneDx
Classification: Likely benign. Last evaluated: 2017-11-17. Review status: criteria provided, single submitter. Criteria: GeneDx Variant Classification (06012015). Collection method: clinical testing. Allele origin: germline. Affected: yes.
Comment: This variant is considered likely benign or benign based on one or more of the following criteria: it is a conservative change, it occurs at a poorly conserved position in the protein, it is predicted to be benign by multiple in silico algorithms, and/or has population frequency not consistent with disease.